The following is an entry in ClinVar:

NM_000368.5(TSC1):c.2140C>G (p.Leu714Val)

Gene: TSC1 (TSC complex subunit 1; minus strand). Cytogenetic location: 9q34.13.
Variant type: single nucleotide variant.
Coding change: c.2140C>G on transcript NM_000368.5 (MANE Select); coding-DNA position 2140, C replaced by G.
Protein change: p.Leu714Val; replaces leucine 714 with valine.
Molecular consequence: missense variant.
Genome position (GRCh38, 1-based): chr9:132,903,719, G>C on the plus strand (C>G on the coding strand, the complement: TSC1 is on the minus strand). VCF-style: chr9-132903719-G-C. GRCh37 (hg19) VCF-style: chr9-135779106-G-C.
Other names: c.2140C>G, p.Leu714Val (NM_001406592.1, NM_001406593.1, NM_001406594.1 and 5 more transcripts); c.1984C>G, p.Leu662Val (NM_001406611.1, NM_001406612.1, NM_001406613.1); c.1777C>G, p.Leu593Val (NM_001406614.1, NM_001406615.1, NM_001406616.1 and 5 more transcripts); c.2137C>G, p.Leu713Val (NM_001406597.1, NM_001406598.1, NM_001406599.1 and 4 more transcripts); c.1774C>G, p.Leu592Val (NM_001406620.1, NM_001406621.1, NM_001406622.1 and 2 more transcripts); c.2125C>G, p.Leu709Val (NM_001406601.1, NM_001406602.1); c.1987C>G, p.Leu663Val (NM_001162427.2, NM_001406610.1); c.2122C>G, p.Leu708Val (NM_001406603.1, NM_001406604.1); and 3 more; short protein forms L397V, L709V, L396V, L592V, L663V, L714V, L363V, L593V.
Identifiers: ClinVar variation 1786579 (VCV001786579.4), dbSNP rs2131764159, ClinGen allele CA375360918.

ClinVar aggregate classification (germline): Uncertain significance. Review status: criteria provided, multiple submitters, no conflicts (2 of 4 stars). 2 submissions from 2 submitters: Uncertain significance (2). Last evaluated 2025-04-17.

Conditions:
Tuberous sclerosis 1 (TSC1). Identifiers: Orphanet 805, MedGen C1854465, MONDO:0008612, OMIM 191100.
Hereditary cancer-predisposing syndrome. Also called: Tumor predisposition; Neoplastic Syndromes, Hereditary; Hereditary Cancer Syndrome; Hereditary neoplastic syndrome. Identifiers: Orphanet 140162, MedGen C0027672, MeSH D009386, MONDO:0015356.

Allele frequency attached by ClinVar (database versions not stated): gnomAD exomes below 0.00001.
gnomAD v4.1: 1 of 1,613,214 alleles (0.000062%); highest among the groups gnomAD compares: Non-Finnish European, 0.000085%; no homozygotes.

Submissions (2):

Labcorp Genetics (formerly Invitae), Labcorp
Classification: Uncertain significance for Tuberous sclerosis 1. Last evaluated: 2025-04-17. Review status: criteria provided, single submitter. Criteria: Invitae Variant Classification Sherloc (09022015). Collection method: clinical testing. Allele origin: germline.
Comment: This sequence change replaces leucine, which is neutral and non-polar, with valine, which is neutral and non-polar, at codon 714 of the TSC1 protein (p.Leu714Val). This variant is not present in population databases (gnomAD no frequency). This variant has not been reported in the literature in individuals affected with TSC1-related conditions. ClinVar contains an entry for this variant (Variation ID: 1786579). Invitae Evidence Modeling of protein sequence and biophysical properties (such as structural, functional, and spatial information, amino acid conservation, physicochemical variation, residue mobility, and thermodynamic stability) indicates that this missense variant is not expected to disrupt TSC1 protein function with a negative predictive value of 95%. In summary, the available evidence is currently insufficient to determine the role of this variant in disease. Therefore, it has been classified as a Variant of Uncertain Significance.

Ambry Genetics
Classification: Uncertain significance for Hereditary cancer-predisposing syndrome. Last evaluated: 2025-03-03. Review status: criteria provided, single submitter. Criteria: Ambry Variant Classification Scheme 2023. Collection method: clinical testing. Allele origin: germline.
Comment: The p.L714V variant (also known as c.2140C>G), located in coding exon 15 of the TSC1 gene, results from a C to G substitution at nucleotide position 2140. The leucine at codon 714 is replaced by valine, an amino acid with highly similar properties. This amino acid position is not well conserved in available vertebrate species. In addition, this alteration is predicted to be tolerated by in silico analysis. Based on the available evidence, the clinical significance of this variant remains unclear